The following is an entry in ClinVar:

NM_005334.3(HCFC1):c.3353A>G (p.Asn1118Ser)

Gene: HCFC1 (host cell factor C1; minus strand). Cytogenetic location: Xq28.
Variant type: single nucleotide variant.
Coding change: c.3353A>G on transcript NM_005334.3 (MANE Select); coding-DNA position 3353, A replaced by G.
Protein change: p.Asn1118Ser; replaces asparagine 1118 with serine.
Molecular consequence: missense variant.
Genome position (GRCh38, 1-based): chrX:153,955,046, T>C on the plus strand (A>G on the coding strand, the complement: HCFC1 is on the minus strand). VCF-style: chrX-153955046-T-C. GRCh37 (hg19) VCF-style: chrX-153220497-T-C.
Other names: c.3353A>G, p.Asn1118Ser (NM_001410705.1); short protein forms N1118S.
Identifiers: ClinVar variation 2500423 (VCV002500423.2), dbSNP rs781947353, ClinGen allele CA10557202.

ClinVar aggregate classification (germline): Uncertain significance (1 of 4 stars; one submission).

Allele frequency attached by ClinVar (database versions not stated): ExAC 0.00001; gnomAD 0.00001; 1000 Genomes Project 30x 0.00021; 1000 Genomes Project 0.00026.

Submission:

GeneDx
Classification: Uncertain significance. Last evaluated: 2023-06-30. Review status: criteria provided, single submitter. Criteria: GeneDx Variant Classification Process June 2021. Collection method: clinical testing. Allele origin: germline.
Comment: Not observed at significant frequency in large population cohorts (gnomAD); In silico analysis supports that this missense variant does not alter protein structure/function; Has not been previously published as pathogenic or benign to our knowledge